The following is an entry in ClinVar:

ClinVar aggregate classification (germline): Conflicting classifications of pathogenicity. Review status: criteria provided, conflicting classifications (1 of 4 stars). 6 submissions from 6 submitters: Uncertain significance (1); Benign (3); Likely benign (2). Last evaluated 2025-12-30.

Conditions:
TTN-related disorder. Also called: TTN-related disorders; TTN-related condition; TTN-related disease.
Cardiovascular phenotype. Identifiers: MedGen CN230736.
Autosomal recessive limb-girdle muscular dystrophy type 2J (LGMDR10). Also called: MUSCULAR DYSTROPHY, LIMB-GIRDLE, AUTOSOMAL RECESSIVE 10; Limb-girdle muscular dystrophy, type 2J. Identifiers: Orphanet 140922, MedGen C1837342, MONDO:0012127, OMIM 608807.
Dilated cardiomyopathy 1G (CMD1G). Identifiers: Orphanet 154, MedGen C1858763, MONDO:0011400, OMIM 604145.

Allele frequency attached by ClinVar (database versions not stated): gnomAD exomes 0.00004 and 0.00021; gnomAD 0.00007 and 0.00008; TOPMed 0.00011; ExAC 0.00020.
gnomAD v4.1: 78 of 1,613,462 alleles (0.0048%); highest among the groups gnomAD compares: Admixed American, 0.097%; no homozygotes.

Submissions (6):

Labcorp Genetics (formerly Invitae), Labcorp
Classification: Benign for Dilated cardiomyopathy 1G; Autosomal recessive limb-girdle muscular dystrophy type 2J. Last evaluated: 2025-12-30. Review status: criteria provided, single submitter. Criteria: Invitae Variant Classification Sherloc (09022015). Collection method: clinical testing. Allele origin: germline.

CeGaT Center for Human Genetics Tuebingen
Classification: Likely benign. Last evaluated: 2025-12-01. Review status: criteria provided, single submitter. Criteria: CeGaT Center For Human Genetics Tuebingen Variant Classification Criteria Version 2. Collection method: clinical testing. Allele origin: germline. Affected: yes. Observed: 2 variant alleles.
Comment: TTN: BP4, BP7

PreventionGenetics, part of Exact Sciences
Classification: Likely benign for TTN-related condition. Last evaluated: 2025-07-05. Review status: criteria provided, single submitter. Criteria: ACMG Guidelines, 2015. Collection method: clinical testing. Allele origin: germline.
Comment: This variant is classified as likely benign based on ACMG/AMP sequence variant interpretation guidelines (Richards et al. 2015 PMID: 25741868, with internal and published modifications).

Ambry Genetics
Classification: Benign for Cardiovascular phenotype. Last evaluated: 2019-12-19. Review status: criteria provided, single submitter. Criteria: Ambry Variant Classification Scheme 2023. Collection method: clinical testing. Allele origin: germline.

GeneDx
Classification: Benign. Last evaluated: 2017-01-31. Review status: criteria provided, single submitter. Criteria: GeneDx Variant Classification (06012015). Collection method: clinical testing. Allele origin: germline. Affected: yes.
Comment: This variant is considered likely benign or benign based on one or more of the following criteria: it is a conservative change, it occurs at a poorly conserved position in the protein, it is predicted to be benign by multiple in silico algorithms, and/or has population frequency not consistent with disease.

Eurofins Ntd Llc (ga)
Classification: Uncertain significance. Last evaluated: 2017-01-25. Review status: criteria provided, single submitter. Criteria: EGL Classification Definitions 2015. Collection method: clinical testing. Allele origin: germline. Observed: 3 variant alleles, 3 heterozygotes.

NM_001267550.2(TTN):c.80859G>A (p.Thr26953=)

Genes: TTN (titin; minus strand), TTN-AS1 (TTN antisense RNA 1; plus strand). Cytogenetic location: 2q31.2.
Variant type: single nucleotide variant.
Coding change: c.80859G>A on transcript NM_001267550.2 (MANE Select); coding-DNA position 80859, G replaced by A.
Protein change: p.Thr26953=; no amino-acid change (threonine 26953 retained).
Molecular consequence: synonymous variant.
Genome position (GRCh38, 1-based): chr2:178,565,273, C>T on the plus strand (G>A on the coding strand, the complement: TTN is on the minus strand). VCF-style: chr2-178565273-C-T. GRCh37 (hg19) VCF-style: chr2-179430000-C-T.
Other names: c.75936G>A, p.Thr25312= (NM_001256850.1); c.53664G>A, p.Thr17888= (NM_003319.4); c.73155G>A, p.Thr24385= (NM_133378.4); c.54039G>A, p.Thr18013= (NM_133432.3); c.54240G>A, p.Thr18080= (NM_133437.4).
Identifiers: ClinVar variation 413225 (VCV000413225.34), dbSNP rs771257647, ClinGen allele CA1989292.